The following is an entry in ClinVar:

ClinVar aggregate classification (germline): Uncertain significance (1 of 4 stars; one submission).

Conditions:
Neuropathy, hereditary sensory and autonomic, type 2A (HSAN2A). Also called: HSAN IIA; MORVAN DISEASE; NEUROPATHY, CONGENITAL SENSORY; NEUROPATHY, HEREDITARY SENSORY RADICULAR, AUTOSOMAL RECESSIVE; NEUROPATHY, HEREDITARY SENSORY, TYPE IIA; NEUROPATHY, PROGRESSIVE SENSORY, OF CHILDREN. Identifiers: Orphanet 970, MedGen C2752089, MONDO:0024309, OMIM 201300.
Generalized epilepsy with febrile seizures plus, type 7 (GEFSP7). Also called: GEFS+, TYPE 7. Identifiers: Orphanet 36387, MedGen C2751778, MONDO:0013470, OMIM 613863.

Submission:

Labcorp Genetics (formerly Invitae), Labcorp
Classification: Uncertain significance for Neuropathy, hereditary sensory and autonomic, type 2A; Generalized epilepsy with febrile seizures plus, type 7. Last evaluated: 2021-07-31. Review status: criteria provided, single submitter. Criteria: Invitae Variant Classification Sherloc (09022015). Collection method: clinical testing. Allele origin: germline.
Comment: In summary, the available evidence is currently insufficient to determine the role of this variant in disease. Therefore, it has been classified as a Variant of Uncertain Significance. Experimental studies and prediction algorithms are not available for this variant, and the functional significance of the affected amino acid(s) is currently unknown. This variant has not been reported in the literature in individuals with SCN9A-related conditions. This variant is not present in population databases (ExAC no frequency). This variant, c.2079_2081del, results in the deletion of 1 amino acid(s) of the SCN9A protein (p.Glu694del), but otherwise preserves the integrity of the reading frame.

NM_001365536.1(SCN9A):c.2112_2114del (p.Glu705del)

Genes: SCN9A (sodium voltage-gated channel alpha subunit 9; minus strand), SCN1A-AS1 (SCN1A and SCN9A antisense RNA 1; plus strand). Cytogenetic location: 2q24.3.
Variant type: Deletion.
Coding change: c.2112_2114del on transcript NM_001365536.1 (MANE Select); coding-DNA positions 2112 to 2114, 3 bases deleted (AGA; older notation c.2112_2114delAGA).
Protein change: p.Glu705del; deletes glutamic acid 705.
Molecular consequence: inframe deletion. On other transcripts: inframe indel (1).
Genome position (GRCh38, 1-based): chr2:166,280,586-166,280,588, TCT deleted on the plus strand (AGA on the coding strand, the reverse complement: SCN9A is on the minus strand); deleting any 3 consecutive bases within chr2:166,280,586-166,280,590 gives the same sequence; the c. name uses the placement nearest the transcript's 3' end. VCF-style (leftmost placement, unchanged base first): chr2-166280585-CTCT-C. GRCh37 (hg19) VCF-style: chr2-167137095-CTCT-C.
Other names: c.2077_2079delGAA, p.Glu694del (NM_002977.4); short protein forms E694del, E705del.
Identifiers: ClinVar variation 861062 (VCV000861062.10), dbSNP rs1304184879, ClinGen allele CA537525205.
Genomic context (GRCh38, chr2:166,280,585, plus strand): 5'-ATTCCAGATCAAGAATTTGTGTGCAAATCTGTACCACCAAGGTGGACATTTTTGTCTGGA[CTCT>C]TCAAGTTCTGGGAGAAAAAAGCAGAGAACATGGAGTCAGCCATTTGTCTGTTTCACTCCT-3'